The following is an entry in ClinVar:

NM_030632.3(ASXL3):c.3722G>C (p.Cys1241Ser)

Gene: ASXL3 (ASXL transcriptional regulator 3; plus strand). Cytogenetic location: 18q12.1.
Variant type: single nucleotide variant.
Coding change: c.3722G>C on transcript NM_030632.3 (MANE Select); coding-DNA position 3722, G replaced by C.
Protein change: p.Cys1241Ser; replaces cysteine 1241 with serine.
Molecular consequence: missense variant.
Genome position (GRCh38, 1-based): chr18:33,743,570, G>C. VCF-style: chr18-33743570-G-C. GRCh37 (hg19) VCF-style: chr18-31323534-G-C.
Other names: short protein forms C1241S.
Identifiers: ClinVar variation 1335862 (VCV001335862.2), dbSNP rs2145425373, ClinGen allele CA402185958.

ClinVar aggregate classification (germline): Uncertain significance (1 of 4 stars; one submission).

Submission:

GeneDx
Classification: Uncertain significance. Last evaluated: 2022-01-13. Review status: criteria provided, single submitter. Criteria: GeneDx Variant Classification Process June 2021. Collection method: clinical testing. Allele origin: germline. Affected: yes.
Comment: Not observed at significant frequency in large population cohorts (gnomAD); In silico analysis supports that this missense variant does not alter protein structure/function; Has not been previously published as pathogenic or benign to our knowledge